The following is an entry in ClinVar:

NM_001145358.2(SIN3A):c.1906A>T (p.Ile636Leu)

Gene: SIN3A (SIN3 transcription regulator family member A; minus strand). Cytogenetic location: 15q24.2.
Variant type: single nucleotide variant.
Coding change: c.1906A>T on transcript NM_001145358.2 (MANE Select); coding-DNA position 1906, A replaced by T.
Protein change: p.Ile636Leu; replaces isoleucine 636 with leucine.
Molecular consequence: missense variant.
Genome position (GRCh38, 1-based): chr15:75,396,445, T>A on the plus strand (A>T on the coding strand, the complement: SIN3A is on the minus strand). VCF-style: chr15-75396445-T-A. GRCh37 (hg19) VCF-style: chr15-75688786-T-A.
Other names: c.1906A>T, p.Ile636Leu (NM_001145357.2, NM_015477.3); short protein forms I636L.
Identifiers: ClinVar variation 3162310 (VCV003162310.2), dbSNP rs1387557373, ClinGen allele CA393495497.

ClinVar aggregate classification (germline): Uncertain significance. Review status: criteria provided, multiple submitters, no conflicts (2 of 4 stars). 2 submissions from 2 submitters: Uncertain significance (2). Last evaluated 2025-10-29.

Conditions:
Inborn genetic diseases. Identifiers: MedGen C0950123, MeSH D030342.

Submissions (2):

Labcorp Genetics (formerly Invitae), Labcorp
Classification: Uncertain significance. Last evaluated: 2025-10-29. Review status: criteria provided, single submitter. Criteria: Invitae Variant Classification Sherloc (09022015). Collection method: clinical testing. Allele origin: germline.
Comment: This sequence change replaces isoleucine, which is neutral and non-polar, with leucine, which is neutral and non-polar, at codon 636 of the SIN3A protein (p.Ile636Leu). This variant is not present in population databases (gnomAD no frequency). This variant has not been reported in the literature in individuals affected with SIN3A-related conditions. ClinVar contains an entry for this variant (Variation ID: 3162310). Invitae Evidence Modeling of protein sequence and biophysical properties (such as structural, functional, and spatial information, amino acid conservation, physicochemical variation, residue mobility, and thermodynamic stability) indicates that this missense variant is not expected to disrupt SIN3A protein function with a negative predictive value of 80%. In summary, the available evidence is currently insufficient to determine the role of this variant in disease. Therefore, it has been classified as a Variant of Uncertain Significance.

Ambry Genetics
Classification: Uncertain significance for Inborn genetic diseases. Last evaluated: 2023-09-22. Review status: criteria provided, single submitter. Criteria: Ambry Variant Classification Scheme 2023. Collection method: clinical testing. Allele origin: germline.